The following is an entry in ClinVar:

NM_020843.4(SCAPER):c.1218A>C (p.Glu406Asp)

Gene: SCAPER (S-phase cyclin A associated protein in the ER; minus strand). Cytogenetic location: 15q24.3.
Variant type: single nucleotide variant.
Coding change: c.1218A>C on transcript NM_020843.4 (MANE Select); coding-DNA position 1218, A replaced by C.
Protein change: p.Glu406Asp; replaces glutamic acid 406 with aspartic acid.
Molecular consequence: missense variant. On other transcripts: non-coding transcript variant (1).
Genome position (GRCh38, 1-based): chr15:76,771,772, T>G on the plus strand (A>C on the coding strand, the complement: SCAPER is on the minus strand). VCF-style: chr15-76771772-T-G. GRCh37 (hg19) VCF-style: chr15-77064113-T-G.
Other names: c.480A>C, p.Glu160Asp (NM_001145923.2); c.1218A>C, p.Glu406Asp (NM_001353009.2); c.816A>C, p.Glu272Asp (NM_001353010.2, NM_001353011.2, NM_001353012.2); short protein forms E160D, E272D, E406D.
Identifiers: ClinVar variation 3345654 (VCV003345654.1).

ClinVar aggregate classification (germline): Uncertain significance (0 of 4 stars; one submission).

Conditions:
SCAPER-related disorder. Also called: SCAPER-related condition.

gnomAD v4.1: 4 of 1,613,204 alleles (0.00025%); highest among the groups gnomAD compares: Admixed American, 0.0033%; no homozygotes.

Submission:

PreventionGenetics, part of Exact Sciences
Classification: Uncertain significance for SCAPER-related condition. Last evaluated: 2024-08-28. Review status: no assertion criteria provided. Collection method: clinical testing. Allele origin: germline.
Comment: The SCAPER c.1218A>C variant is predicted to result in the amino acid substitution p.Glu406Asp. To our knowledge, this variant has not been reported in the literature. This variant is reported in 0.0058% of alleles in individuals of Latino descent in gnomAD. At this time, the clinical significance of this variant is uncertain due to the absence of conclusive functional and genetic evidence.